The following is an entry in ClinVar:

NM_005529.7(HSPG2):c.8870C>T (p.Thr2957Met)

Gene: HSPG2 (heparan sulfate proteoglycan 2; minus strand). Cytogenetic location: 1p36.12.
Variant type: single nucleotide variant.
Coding change: c.8870C>T on transcript NM_005529.7 (MANE Select); coding-DNA position 8870, C replaced by T.
Protein change: p.Thr2957Met; replaces threonine 2957 with methionine.
Molecular consequence: missense variant.
Genome position (GRCh38, 1-based): chr1:21,842,810, G>A on the plus strand (C>T on the coding strand, the complement: HSPG2 is on the minus strand). VCF-style: chr1-21842810-G-A. GRCh37 (hg19) VCF-style: chr1-22169303-G-A.
Other names: c.8873C>T, p.Thr2958Met (NM_001291860.2); c.8870C>T (NM_005529.5); short protein forms T2957M, T2958M.
Identifiers: ClinVar variation 1413598 (VCV001413598.7), dbSNP rs780627401, ClinGen allele CA670636.

ClinVar aggregate classification (germline): Uncertain significance. Review status: criteria provided, multiple submitters, no conflicts (2 of 4 stars). 2 submissions from 2 submitters: Uncertain significance (2). Last evaluated 2021-10-12.

Conditions:
Inborn genetic diseases. Identifiers: MedGen C0950123, MeSH D030342.

Allele frequency attached by ClinVar (database versions not stated): gnomAD exomes 0.00001 and 0.00004; gnomAD 0.00002; TOPMed 0.00003; ExAC 0.00007.
gnomAD v4.1: 28 of 1,613,762 alleles (0.0017%); highest among the groups gnomAD compares: East Asian, 0.011%; no homozygotes.

Submissions (2):

Ambry Genetics
Classification: Uncertain significance for Inborn genetic diseases. Last evaluated: 2021-10-12. Review status: criteria provided, single submitter. Criteria: Ambry Variant Classification Scheme 2023. Collection method: clinical testing. Allele origin: germline.

Labcorp Genetics (formerly Invitae), Labcorp
Classification: Uncertain significance. Last evaluated: 2021-06-16. Review status: criteria provided, single submitter. Criteria: Invitae Variant Classification Sherloc (09022015). Collection method: clinical testing. Allele origin: germline.
Comment: Algorithms developed to predict the effect of missense changes on protein structure and function output the following: SIFT: "Tolerated"; PolyPhen-2: "Possibly Damaging"; Align-GVGD: "Class C0". The methionine amino acid residue is found in multiple mammalian species, suggesting that this missense change does not adversely affect protein function. These predictions have not been confirmed by published functional studies and their clinical significance is uncertain. In summary, the available evidence is currently insufficient to determine the role of this variant in disease. Therefore, it has been classified as a Variant of Uncertain Significance. This variant has not been reported in the literature in individuals with HSPG2-related conditions. This variant is present in population databases (rs780627401, ExAC 0.06%). This sequence change replaces threonine with methionine at codon 2957 of the HSPG2 protein (p.Thr2957Met). The threonine residue is weakly conserved and there is a moderate physicochemical difference between threonine and methionine.